The following is an entry in ClinVar:

ClinVar aggregate classification (germline): Uncertain significance (1 of 4 stars; one submission).

Conditions:
Distal hereditary motor neuropathy type 2. Identifiers: Orphanet 139525, MedGen C3711384, MeSH C580044, MONDO:0015352.

Submission:

Labcorp Genetics (formerly Invitae), Labcorp
Classification: Uncertain significance for Distal hereditary motor neuropathy type 2. Last evaluated: 2022-10-26. Review status: criteria provided, single submitter. Criteria: Invitae Variant Classification Sherloc (09022015). Collection method: clinical testing. Allele origin: germline.
Comment: This variant, c.2994_2996del, results in the deletion of 1 amino acid(s) of the FBXO38 protein (p.Glu998del), but otherwise preserves the integrity of the reading frame. This variant is not present in population databases (gnomAD no frequency). This variant has not been reported in the literature in individuals affected with FBXO38-related conditions. Experimental studies and prediction algorithms are not available or were not evaluated, and the functional significance of this variant is currently unknown. In summary, the available evidence is currently insufficient to determine the role of this variant in disease. Therefore, it has been classified as a Variant of Uncertain Significance.

NM_205836.3(FBXO38):c.3216AGA[1] (p.Glu1073del)

Gene: FBXO38 (F-box protein 38; plus strand). Cytogenetic location: 5q32.
Variant type: Microsatellite.
Coding change: c.3216AGA[1] on transcript NM_205836.3 (MANE Select); one copy of the 3-base unit AGA starting at c.3216; the reference has two copies in a row; one copy, 3 bases deleted.
Protein change: p.Glu1073del; deletes glutamic acid 1073.
Molecular consequence: inframe deletion.
Genome position (GRCh38, 1-based): chr5:148,440,472-148,440,474, AGA deleted; deleting any 3 consecutive bases within chr5:148,440,467-148,440,474 gives the same sequence; the position shown is the placement nearest the transcript's 3' end. VCF-style (leftmost placement, unchanged base first): chr5-148440466-TGAA-T. GRCh37 (hg19) VCF-style: chr5-147820029-TGAA-T.
Other names: c.2481AGA[1], p.Glu828del (NM_001271723.2); c.2991AGA[1], p.Glu998del (NM_030793.5); short protein forms E828del, E1073del, E998del.
Identifiers: ClinVar variation 2199934 (VCV002199934.4), dbSNP rs2531862190, ClinGen allele CA2580614767.